The following is an entry in ClinVar:

ClinVar aggregate classification (germline): Uncertain significance (1 of 4 stars; one submission).

gnomAD v4.1: 6 of 1,612,838 alleles (0.00037%); highest among the groups gnomAD compares: African/African-American, 0.004%; no homozygotes.

Submission:

Dasa
Classification: Uncertain significance. Last evaluated: 2025-12-29. Review status: criteria provided, single submitter. Criteria: DASA Assertion Criteria. Collection method: clinical testing. Allele origin: germline.
Comment: NM_207122.2(EXT2):c.517G>A (p.Ala173Thr) is a missense variant that results in the substitution of alanine with threonine. Multiple computational predictions support a deleterious effect on the gene or gene product. The variant is present at low frequency in population datasets. Based on the available data, this variant is classified as variant of uncertain significance.

NM_207122.2(EXT2):c.517G>A (p.Ala173Thr)

Gene: EXT2 (exostosin glycosyltransferase 2; plus strand). Cytogenetic location: 11p11.2.
Variant type: single nucleotide variant.
Coding change: c.517G>A on transcript NM_207122.2 (MANE Select); coding-DNA position 517, G replaced by A.
Protein change: p.Ala173Thr; replaces alanine 173 with threonine.
Molecular consequence: missense variant.
Genome position (GRCh38, 1-based): chr11:44,108,229, G>A. VCF-style: chr11-44108229-G-A. GRCh37 (hg19) VCF-style: chr11-44129779-G-A.
Other names: c.616G>A, p.Ala206Thr (NM_000401.3); c.517G>A, p.Ala173Thr (NM_001178083.3, NM_001389628.1, NM_001389630.1); short protein forms A173T, A206T.
Identifiers: ClinVar variation 4851819 (VCV004851819.1).